The following is an entry in ClinVar:

NM_020923.3(ZDBF2):c.5157G>A (p.Ala1719=)

Gene: ZDBF2 (zinc finger DBF-type containing 2; plus strand). Cytogenetic location: 2q33.3.
Variant type: single nucleotide variant.
Coding change: c.5157G>A on transcript NM_020923.3 (MANE Select); coding-DNA position 5157, G replaced by A.
Protein change: p.Ala1719=; no amino-acid change (alanine 1719 retained).
Molecular consequence: synonymous variant.
Genome position (GRCh38, 1-based): chr2:206,309,685, G>A. VCF-style: chr2-206309685-G-A. GRCh37 (hg19) VCF-style: chr2-207174409-G-A.
Other names: c.5151G>A, p.Ala1717= (NM_001285549.2); c.5157G>A, p.Ala1719= (NM_001369654.1).
Identifiers: ClinVar variation 707885 (VCV000707885.33), dbSNP rs199787242, ClinGen allele CA2072415.

ClinVar aggregate classification (germline): Benign/Likely benign. Review status: criteria provided, multiple submitters, no conflicts (2 of 4 stars). 3 submissions from 3 submitters: Benign (2); Likely benign (1). Last evaluated 2025-08-26.

Allele frequency attached by ClinVar (database versions not stated): 1000 Genomes Project 30x 0.00078; 1000 Genomes Project 0.00080; TOPMed 0.00270; gnomAD 0.00273; gnomAD exomes 0.00276 and 0.00527; ExAC 0.00277; ESP Exome Variant Server 0.00356.
gnomAD v4.1: 8,125 of 1,613,786 alleles (0.5%); highest among the groups gnomAD compares: Non-Finnish European, 0.63%; 35 homozygotes.

Submissions (3):

Labcorp Genetics (formerly Invitae), Labcorp
Classification: Benign. Last evaluated: 2025-08-26. Review status: criteria provided, single submitter. Criteria: Invitae Variant Classification Sherloc (09022015). Collection method: clinical testing. Allele origin: germline.

CeGaT Center for Human Genetics Tuebingen
Classification: Likely benign. Last evaluated: 2022-07-01. Review status: criteria provided, single submitter. Criteria: CeGaT Center For Human Genetics Tuebingen Variant Classification Criteria Version 2. Collection method: clinical testing. Allele origin: germline. Affected: yes. Observed: 2 variant alleles.
Comment: ZDBF2: BP4, BP7

Breakthrough Genomics
Classification: Benign. Review status: criteria provided, single submitter. Criteria: ACMG Guidelines, 2015. Collection method: not provided. Allele origin: germline. Inheritance: Unknown mechanism. Affected: yes.